The following is an entry in ClinVar:

NM_002454.3(MTRR):c.109dup (p.Cys37fs)

Gene: MTRR (5-methyltetrahydrofolate-homocysteine methyltransferase reductase; plus strand). Cytogenetic location: 5p15.31.
Variant type: Duplication.
Coding change: c.109dup on transcript NM_002454.3 (MANE Select); coding-DNA position 109, one base duplicated (T; older notation c.109dupT).
Protein change: p.Cys37fs; shifts the reading frame from cysteine 37.
Molecular consequence: frameshift variant. On other transcripts: non-coding transcript variant (14).
Genome position (GRCh38, 1-based): chr5:7,870,903, T duplicated. VCF-style (leftmost placement, unchanged base first): chr5-7870902-C-CT. GRCh37 (hg19) VCF-style: chr5-7871015-C-CT.
Other names: c.109dup, p.Cys37fs (NM_001364440.2, NM_001364441.2, NM_001364442.2 and 1 more transcripts); short protein forms C37fs.
Identifiers: ClinVar variation 937324 (VCV000937324.8), dbSNP rs1747853230, ClinGen allele CA1139658735.
Genomic context (GRCh38, chr5:7,870,902, plus strand): 5'-GGCCATCGCAGAAGAAATATGTGAGCAAGCTGTGGTACATGGATTTTCTGCAGATCTTCA[C>CT]TGTATTAGTGAATCCGATAAGGTTAGAGCCGTTACAGTGGATTTTACCGTTTTGTGCTTT-3'

ClinVar aggregate classification (germline): Pathogenic (1 of 4 stars; one submission).

Conditions:
Methylcobalamin deficiency type cblE (HMAE). Also called: HOMOCYSTINURIA-MEGALOBLASTIC ANEMIA, cblE COMPLEMENTATION TYPE; VITAMIN B12-RESPONSIVE HOMOCYSTINURIA, cblE TYPE; HOMOCYSTINURIA-MEGALOBLASTIC ANEMIA, cblE TYPE. Identifiers: Orphanet 2169, Orphanet 622, MedGen C1856057, MONDO:0009354, OMIM 236270.

Submission:

Labcorp Genetics (formerly Invitae), Labcorp
Classification: Pathogenic for Methylcobalamin deficiency type cblE. Last evaluated: 2019-09-26. Review status: criteria provided, single submitter. Criteria: Invitae Variant Classification Sherloc (09022015). Collection method: clinical testing. Allele origin: germline.
Comment: This variant has not been reported in the literature in individuals with MTRR-related conditions. This variant is not present in population databases (ExAC no frequency). This sequence change creates a premature translational stop signal (p.Cys37Leufs*3) in the MTRR gene. It is expected to result in an absent or disrupted protein product. For these reasons, this variant has been classified as Pathogenic. Loss-of-function variants in MTRR are known to be pathogenic (PMID: 15714522).

Literature cited by the submitters: PubMed 15714522.